The following is an entry in ClinVar:

NM_001165963.4(SCN1A):c.773T>G (p.Leu258Arg)

Gene: SCN1A (sodium voltage-gated channel alpha subunit 1; minus strand). Cytogenetic location: 2q24.3.
Variant type: single nucleotide variant.
Coding change: c.773T>G on transcript NM_001165963.4 (MANE Select); coding-DNA position 773, T replaced by G.
Protein change: p.Leu258Arg; replaces leucine 258 with arginine.
Molecular consequence: missense variant. On other transcripts: 5 prime UTR variant (1), non-coding transcript variant (1).
Genome position (GRCh38, 1-based): chr2:166,051,910, A>C on the plus strand (T>G on the coding strand, the complement: SCN1A is on the minus strand). VCF-style: chr2-166051910-A-C. GRCh37 (hg19) VCF-style: chr2-166908420-A-C.
Other names: c.773T>G, p.Leu258Arg (NM_001165964.3, NM_001202435.3, NM_001353948.2 and 10 more transcripts); c.-1653T>G (NM_001353961.2); short protein forms L258R.
Identifiers: ClinVar variation 2004439 (VCV002004439.4), dbSNP rs2468223963, ClinGen allele CA349073491.

ClinVar aggregate classification (germline): Uncertain significance (1 of 4 stars; one submission).

Conditions:
Early-infantile DEE. Also called: Early infantile epileptic encephalopathy; Ohtahara syndrome; Early infantile epileptic encephalopathy with suppression bursts. Identifiers: Orphanet 1934, MedGen C0393706, MONDO:0800491.

Submission:

Labcorp Genetics (formerly Invitae), Labcorp
Classification: Uncertain significance for Early-infantile DEE. Last evaluated: 2023-10-03. Review status: criteria provided, single submitter. Criteria: Invitae Variant Classification Sherloc (09022015). Collection method: clinical testing. Allele origin: germline.
Comment: This sequence change replaces leucine, which is neutral and non-polar, with arginine, which is basic and polar, at codon 258 of the SCN1A protein (p.Leu258Arg). This variant is not present in population databases (gnomAD no frequency). This variant has not been reported in the literature in individuals affected with SCN1A-related conditions. ClinVar contains an entry for this variant (Variation ID: 2004439). Advanced modeling of protein sequence and biophysical properties (such as structural, functional, and spatial information, amino acid conservation, physicochemical variation, residue mobility, and thermodynamic stability) performed at Invitae indicates that this missense variant is expected to disrupt SCN1A protein function. In summary, the available evidence is currently insufficient to determine the role of this variant in disease. Therefore, it has been classified as a Variant of Uncertain Significance.